The following is an entry in ClinVar:

ClinVar aggregate classification (germline): Uncertain significance (1 of 4 stars; one submission).

Conditions:
Microcephaly, normal intelligence and immunodeficiency (NBS). Also called: Nijmegen breakage syndrome; SEEMANOVA SYNDROME II; IMMUNODEFICIENCY, MICROCEPHALY, AND CHROMOSOMAL INSTABILITY; Immunodeficiency, microcephaly with normal intelligence; Ataxia telangiectasia variant V1; Microcephaly with normal intelligence immunodeficiency and lymphoreticular malignancies. Identifiers: Orphanet 647, MedGen C0398791, MONDO:0009623, OMIM 251260.

Submission:

Labcorp Genetics (formerly Invitae), Labcorp
Classification: Uncertain significance for Microcephaly, normal intelligence and immunodeficiency. Last evaluated: 2021-02-25. Review status: criteria provided, single submitter. Criteria: Invitae Variant Classification Sherloc (09022015). Collection method: clinical testing. Allele origin: germline.
Comment: This sequence change replaces aspartic acid with glutamic acid at codon 201 of the NBN protein (p.Asp201Glu). The aspartic acid residue is highly conserved and there is a small physicochemical difference between aspartic acid and glutamic acid. This variant is not present in population databases (ExAC no frequency). Algorithms developed to predict the effect of missense changes on protein structure and function are either unavailable or do not agree on the potential impact of this missense change (SIFT: "Deleterious"; PolyPhen-2: "Possibly Damaging"; Align-GVGD: "Class C0"). This variant has not been reported in the literature in individuals with NBN-related conditions. In summary, the available evidence is currently insufficient to determine the role of this variant in disease. Therefore, it has been classified as a Variant of Uncertain Significance.

NM_002485.5(NBN):c.603T>G (p.Asp201Glu)

Gene: NBN (nibrin; minus strand). Cytogenetic location: 8q21.3.
Variant type: single nucleotide variant.
Coding change: c.603T>G on transcript NM_002485.5 (MANE Select); coding-DNA position 603, T replaced by G.
Protein change: p.Asp201Glu; replaces aspartic acid 201 with glutamic acid.
Molecular consequence: missense variant.
Genome position (GRCh38, 1-based): chr8:89,971,272, A>C on the plus strand (T>G on the coding strand, the complement: NBN is on the minus strand). VCF-style: chr8-89971272-A-C. GRCh37 (hg19) VCF-style: chr8-90983500-A-C.
Other names: c.357T>G, p.Asp119Glu (NM_001024688.3); short protein forms D119E, D201E.
Identifiers: ClinVar variation 1375742 (VCV001375742.8), dbSNP rs2129839451, ClinGen allele CA371659308.